The following is an entry in ClinVar:

ClinVar aggregate classification (germline): Uncertain significance (1 of 4 stars; one submission).

Submission:

Labcorp Genetics (formerly Invitae), Labcorp
Classification: Uncertain significance. Last evaluated: 2025-10-23. Review status: criteria provided, single submitter. Criteria: Invitae Variant Classification Sherloc (09022015). Collection method: clinical testing. Allele origin: germline.
Comment: This sequence change affects codon 996 of the MAGEL2 mRNA. It is a 'silent' change, meaning that it does not change the encoded amino acid sequence of the MAGEL2 protein. This variant is present in population databases (rs760258934, gnomAD 0.003%). This variant has not been reported in the literature in individuals affected with MAGEL2-related conditions. In summary, the available evidence is currently insufficient to determine the role of this variant in disease. Therefore, it has been classified as a Variant of Uncertain Significance.

NM_019066.5(MAGEL2):c.2988C>T (p.Val996=)

Gene: MAGEL2 (MAGE family member L2; minus strand). Cytogenetic location: 15q11.2.
Variant type: single nucleotide variant.
Coding change: c.2988C>T on transcript NM_019066.5 (MANE Select); coding-DNA position 2988, C replaced by T.
Protein change: p.Val996=; no amino-acid change (valine 996 retained).
Molecular consequence: synonymous variant.
Genome position (GRCh38, 1-based): chr15:23,644,755, G>A on the plus strand (C>T on the coding strand, the complement: MAGEL2 is on the minus strand). VCF-style: chr15-23644755-G-A. GRCh37 (hg19) VCF-style: chr15-23889902-G-A.
Identifiers: ClinVar variation 4699268 (VCV004699268.1).